The following is an entry in ClinVar:

NM_000492.4(CFTR):c.1117-22T>C

Gene: CFTR (CF transmembrane conductance regulator; plus strand). Cytogenetic location: 7q31.2.
Variant type: single nucleotide variant.
Coding change: c.1117-22T>C on transcript NM_000492.4 (MANE Select); 22 bases into the intron before coding-DNA position 1117, T replaced by C.
Molecular consequence: intron variant.
Genome position (GRCh38, 1-based): chr7:117,541,994, T>C. VCF-style: chr7-117541994-T-C. GRCh37 (hg19) VCF-style: chr7-117182048-T-C.
Identifiers: ClinVar variation 4995952 (VCV004995952.1).
Genomic context (GRCh38, chr7:117,541,994, plus strand): 5'-CAATGAGAGTATAAAGTAGATGTAATAATGCATTAATGCTATTCTGATTCTATAATATGT[T>C]TTTGCTCTCTTTTATAAATAGGATTTCTTACAAAAGCAAGAATATAAGACATTGGAATAT-3'

ClinVar aggregate classification (germline): Likely benign (1 of 4 stars; one submission).

Conditions:
CFTR-related disorder (CFTR-RD). Also called: CFTR-related condition; CFTR-related disorders. Identifiers: MedGen C5924204, MONDO:7770004.

gnomAD v4.1: 2 of 1,178,934 alleles (0.00017%); highest among the groups gnomAD compares: Non-Finnish European, 0.00013%; no homozygotes.

Submission:

PreventionGenetics, part of Exact Sciences
Classification: Likely benign for CFTR-related condition. Last evaluated: 2025-08-05. Review status: criteria provided, single submitter. Criteria: ACMG Guidelines, 2015. Collection method: clinical testing. Allele origin: germline.
Comment: This variant is classified as likely benign based on ACMG/AMP sequence variant interpretation guidelines (Richards et al. 2015 PMID: 25741868, with internal and published modifications).